The following is an entry in ClinVar:

ClinVar aggregate classification (germline): Likely pathogenic. Review status: criteria provided, multiple submitters, no conflicts (2 of 4 stars). 3 submissions from 3 submitters: Likely pathogenic (2). 1 of the submissions does not count toward it. Last evaluated 2026-10-19.

Conditions:
Heterotaxy, visceral, 7, autosomal (HTX7). Identifiers: Orphanet 450, MedGen C4225217, MONDO:0014762, OMIM 616749.

Allele frequency attached by ClinVar (database versions not stated): gnomAD exomes 0.00008; ExAC 0.00011; gnomAD 0.00013 and 0.00014; TOPMed 0.00013; ESP Exome Variant Server 0.00016.
gnomAD v4.1: 275 of 1,576,958 alleles (0.017%); highest among the groups gnomAD compares: Non-Finnish European, 0.021%; no homozygotes.

Submissions (3):

GeneDx
Classification: Likely pathogenic. Last evaluated: 2026-10-19. Review status: criteria provided, single submitter. Criteria: GeneDx Variant Classification Process June 2021. Collection method: clinical testing. Allele origin: germline.
Comment: In silico analysis supports that this missense variant has a deleterious effect on protein structure/function; Not observed at significant frequency in large population cohorts (gnomAD); This variant is associated with the following publications: (PMID: 30622330, 26437028, 33131162, PasquettiD2025[Review])

CeGaT Center for Human Genetics Tuebingen
Classification: Likely pathogenic. Last evaluated: 2025-02-01. Review status: criteria provided, single submitter. Criteria: CeGaT Center For Human Genetics Tuebingen Variant Classification Criteria Version 2. Collection method: clinical testing. Allele origin: germline. Affected: yes. Observed: 1 variant allele.
Comment: MMP21: PM3:Strong, PM2

Lupski Lab, Baylor-Hopkins CMG, Baylor College of Medicine
Classification: Pathogenic for Heterotaxy, visceral, 7, autosomal. Last evaluated: 2018-05-28. Review status: no assertion criteria provided. Collection method: research. Allele origin: germline. Affected: yes. Observed: 1 variant allele. Not counted in ClinVar's aggregate classification.

NM_147191.1(MMP21):c.643G>A (p.Glu215Lys)

Gene: MMP21 (matrix metallopeptidase 21; minus strand). Cytogenetic location: 10q26.2.
Variant type: single nucleotide variant.
Coding change: c.643G>A on transcript NM_147191.1 (MANE Select); coding-DNA position 643, G replaced by A.
Protein change: p.Glu215Lys; replaces glutamic acid 215 with lysine.
Molecular consequence: missense variant.
Genome position (GRCh38, 1-based): chr10:125,773,885, C>T on the plus strand (G>A on the coding strand, the complement: MMP21 is on the minus strand). VCF-style: chr10-125773885-C-T. GRCh37 (hg19) VCF-style: chr10-127462454-C-T.
Other names: short protein forms E215K.
Identifiers: ClinVar variation 545547 (VCV000545547.25), dbSNP rs145789868, ClinGen allele CA5738177.